The following is an entry in ClinVar:

ClinVar aggregate classification (germline): Uncertain significance (1 of 4 stars; one submission).

Submission:

CeGaT Center for Human Genetics Tuebingen
Classification: Uncertain significance. Last evaluated: 2024-08-01. Review status: criteria provided, single submitter. Criteria: CeGaT Center For Human Genetics Tuebingen Variant Classification Criteria Version 2. Collection method: clinical testing. Allele origin: germline. Affected: yes. Observed: 1 variant allele.
Comment: SIN3A: PM2

NM_001145358.2(SIN3A):c.1204A>G (p.Asn402Asp)

Gene: SIN3A (SIN3 transcription regulator family member A; minus strand). Cytogenetic location: 15q24.2.
Variant type: single nucleotide variant.
Coding change: c.1204A>G on transcript NM_001145358.2 (MANE Select); coding-DNA position 1204, A replaced by G.
Protein change: p.Asn402Asp; replaces asparagine 402 with aspartic acid.
Molecular consequence: missense variant.
Genome position (GRCh38, 1-based): chr15:75,409,949, T>C on the plus strand (A>G on the coding strand, the complement: SIN3A is on the minus strand). VCF-style: chr15-75409949-T-C. GRCh37 (hg19) VCF-style: chr15-75702290-T-C.
Other names: c.1204A>G, p.Asn402Asp (NM_001145357.2, NM_015477.3); short protein forms N402D.
Identifiers: ClinVar variation 3342067 (VCV003342067.16).
Genomic context (GRCh38, chr15:75,409,949, plus strand): 5'-GGCTGGGCCTCTGCGGCTTGTTGTTCAGTTGGGGCTTCTTGACAGTGCCTCCATGATCAT[T>C]TCTCACAGAATCAACCTTCTCAGCAGTTGTTTTGCTTAAAAGCTGATTAAGACACATGAA-3'
Protein context (NP_001138830.1, residues 392-412): TTAEKVDSVR[Asn402Asp]DHGGTVKKPQ